The following is an entry in ClinVar:

NM_003242.6(TGFBR2):c.1208G>A (p.Arg403His)

Gene: TGFBR2 (transforming growth factor beta receptor 2; plus strand). Cytogenetic location: 3p24.1.
Variant type: single nucleotide variant.
Coding change: c.1208G>A on transcript NM_003242.6 (MANE Select); coding-DNA position 1208, G replaced by A.
Protein change: p.Arg403His; replaces arginine 403 with histidine.
Molecular consequence: missense variant.
Genome position (GRCh38, 1-based): chr3:30,672,391, G>A. VCF-style: chr3-30672391-G-A. GRCh37 (hg19) VCF-style: chr3-30713883-G-A.
Other names: p.R403H:CGT>CAT; c.1283G>A, p.Arg428His (NM_001024847.3); c.1391G>A, p.Arg464His (NM_001407126.1); c.1316G>A, p.Arg439His (NM_001407127.1); c.1235G>A, p.Arg412His (NM_001407128.1); c.1211G>A, p.Arg404His (NM_001407129.1); c.1208G>A, p.Arg403His (NM_001407130.1); c.1103G>A, p.Arg368His (NM_001407132.1, NM_001407133.1, NM_001407134.1 and 2 more transcripts); and 2 more; short protein forms R403H, R428H, R404H, R283H, R308H, R412H, R439H, R368H.
Identifiers: ClinVar variation 213908 (VCV000213908.25), dbSNP rs143095746, ClinGen allele CA045917.

ClinVar aggregate classification (germline): Likely benign. Review status: criteria provided, multiple submitters, no conflicts (2 of 4 stars). 6 submissions from 6 submitters: Likely benign (5). 1 of the submissions does not count toward it. Last evaluated 2026-01-14.

Conditions:
TGFBR2-related disorder. Also called: TGFBR2-related condition.
Loeys-Dietz syndrome 2 (LDS2). Also called: TGFBR2-Related Loeys-Dietz Syndrome; Marfan Syndrome type 2; Marfan like connective tissue disorder; MFS 2; Marfan syndrome, type 2 (formerly); AORTIC ANEURYSM, FAMILIAL THORACIC 3. Identifiers: Orphanet 284973, Orphanet 558, MedGen C2674574, MONDO:0012427, OMIM 610168.
Malignant tumor of esophagus. Also called: Esophageal cancer; Esophageal cancer, somatic. Identifiers: Orphanet 99977, MedGen C0546837, MONDO:0007576, OMIM 133239.
Colorectal cancer, hereditary nonpolyposis, type 6. Also called: Colon cancer, hereditary nonpolyposis, type 6; Colon cancer, hereditary nonpolyposis, type 6, somatic. Identifiers: Orphanet 144, MedGen C1860896, MONDO:0013695, OMIM 614331.
Familial thoracic aortic aneurysm and aortic dissection (TAAD). Also called: Thoracic aortic aneurysms and dissections. Identifiers: Orphanet 91387, MedGen C4707243, MONDO:0019625.

Allele frequency attached by ClinVar (database versions not stated): gnomAD 0.00001 and 0.00004; TOPMed 0.00001; ExAC 0.00036; 1000 Genomes Project 30x 0.00047; 1000 Genomes Project 0.00060.
gnomAD v4.1: 194 of 1,614,208 alleles (0.012%); highest among the groups gnomAD compares: South Asian, 0.18%; 1 homozygote.

Submissions (6):

Labcorp Genetics (formerly Invitae), Labcorp
Classification: Likely benign for Familial thoracic aortic aneurysm and aortic dissection. Last evaluated: 2026-01-14. Review status: criteria provided, single submitter. Criteria: Invitae Variant Classification Sherloc (09022015). Collection method: clinical testing. Allele origin: germline.

Ambry Genetics
Classification: Likely benign for Familial thoracic aortic aneurysm and aortic dissection. Last evaluated: 2022-04-04. Review status: criteria provided, single submitter. Criteria: Ambry Variant Classification Scheme 2023. Collection method: clinical testing. Allele origin: germline.

Fulgent Genetics
Classification: Likely benign for Malignant tumor of esophagus; Loeys-Dietz syndrome 2; Colorectal cancer, hereditary nonpolyposis, type 6. Last evaluated: 2021-09-01. Review status: criteria provided, single submitter. Criteria: ACMG Guidelines, 2015. Collection method: clinical testing. Allele origin: unknown.

Color Diagnostics, LLC DBA Color Health
Classification: Likely benign for Familial thoracic aortic aneurysm and aortic dissection. Last evaluated: 2018-10-03. Review status: criteria provided, single submitter. Criteria: ACMG Guidelines, 2015. Collection method: clinical testing. Allele origin: germline.

GeneDx
Classification: Likely benign. Last evaluated: 2012-12-31. Review status: criteria provided, single submitter. Criteria: GeneDx Variant Classification (06012015). Collection method: clinical testing. Allele origin: germline. Affected: yes.
Comment: This variant is considered likely benign or benign based on one or more of the following criteria: it is a conservative change, it occurs at a poorly conserved position in the protein, it is predicted to be benign by multiple in silico algorithms, and/or has population frequency not consistent with disease.

PreventionGenetics, part of Exact Sciences
Classification: Likely benign for TGFBR2-related condition. Last evaluated: 2021-05-05. Review status: no assertion criteria provided. Collection method: clinical testing. Allele origin: germline. Not counted in ClinVar's aggregate classification.
Comment: This variant is classified as likely benign based on ACMG/AMP sequence variant interpretation guidelines (Richards et al. 2015 PMID: 25741868, with internal and published modifications).